The following is an entry in ClinVar:

ClinVar aggregate classification (germline): Uncertain significance (1 of 4 stars; one submission).

Conditions:
Neuronal ceroid lipofuscinosis. Also called: Neuronal Ceroid Lipofuscinoses. Identifiers: Orphanet 216, Orphanet 79263, MedGen C0027877, MONDO:0016295. Disease mechanism: loss of function.

gnomAD v4.1: 5 of 1,614,068 alleles (0.00031%); highest among the groups gnomAD compares: Non-Finnish European, 0.00034%; no homozygotes.

Submission:

Labcorp Genetics (formerly Invitae), Labcorp
Classification: Uncertain significance for Neuronal ceroid lipofuscinosis. Last evaluated: 2022-11-01. Review status: criteria provided, single submitter. Criteria: Invitae Variant Classification Sherloc (09022015). Collection method: clinical testing. Allele origin: germline.
Comment: In summary, the available evidence is currently insufficient to determine the role of this variant in disease. Therefore, it has been classified as a Variant of Uncertain Significance. Algorithms developed to predict the effect of missense changes on protein structure and function (SIFT, PolyPhen-2, Align-GVGD) all suggest that this variant is likely to be tolerated. ClinVar contains an entry for this variant (Variation ID: 1395768). This variant has not been reported in the literature in individuals affected with DNAJC5-related conditions. This variant is not present in population databases (gnomAD no frequency). This sequence change replaces glutamic acid, which is acidic and polar, with aspartic acid, which is acidic and polar, at codon 14 of the DNAJC5 protein (p.Glu14Asp).

NM_025219.3(DNAJC5):c.42G>C (p.Glu14Asp)

Gene: DNAJC5 (DnaJ heat shock protein family (Hsp40) member C5; plus strand). Cytogenetic location: 20q13.33.
Variant type: single nucleotide variant.
Coding change: c.42G>C on transcript NM_025219.3 (MANE Select); coding-DNA position 42, G replaced by C.
Protein change: p.Glu14Asp; replaces glutamic acid 14 with aspartic acid.
Molecular consequence: missense variant.
Genome position (GRCh38, 1-based): chr20:63,928,387, G>C. VCF-style: chr20-63928387-G-C. GRCh37 (hg19) VCF-style: chr20-62559740-G-C.
Other names: short protein forms E14D.
Identifiers: ClinVar variation 1395768 (VCV001395768.8), dbSNP rs2053633217, ClinGen allele CA409715323.